The following is an entry in ClinVar:

NM_001368809.2(AMPD2):c.842G>A (p.Arg281His)

Gene: AMPD2 (adenosine monophosphate deaminase 2; plus strand). Cytogenetic location: 1p13.3.
Variant type: single nucleotide variant.
Coding change: c.842G>A on transcript NM_001368809.2 (MANE Select); coding-DNA position 842, G replaced by A.
Protein change: p.Arg281His; replaces arginine 281 with histidine.
Molecular consequence: missense variant.
Genome position (GRCh38, 1-based): chr1:109,627,298, G>A. VCF-style: chr1-109627298-G-A. GRCh37 (hg19) VCF-style: chr1-110169920-G-A.
Other names: c.1004G>A, p.Arg335His (NM_001257360.2); c.650G>A, p.Arg217His (NM_001257361.2); c.779G>A, p.Arg260His (NM_001308170.1); c.842G>A, p.Arg281His (NM_004037.9); c.761G>A, p.Arg254His (NM_139156.4); short protein forms R254H, R281H, R260H, R335H, R217H.
Identifiers: ClinVar variation 2164928 (VCV002164928.4), dbSNP rs774576755, ClinGen allele CA341556393.

ClinVar aggregate classification (germline): Uncertain significance (1 of 4 stars; one submission).

Conditions:
Hereditary spastic paraplegia 63. Also called: Spastic paraplegia 63, autosomal recessive. Identifiers: Orphanet 401805, MedGen C3810295, MONDO:0014305, OMIM 615686.
Pontocerebellar hypoplasia type 9. Identifiers: Orphanet 369920, MedGen C4014354, MONDO:0014351, OMIM 615809.

Allele frequency attached by ClinVar (database versions not stated): TOPMed 0.00001.
gnomAD v4.1: 34 of 1,603,888 alleles (0.0021%); highest among the groups gnomAD compares: Middle Eastern, 0.033%; no homozygotes.

Submission:

Labcorp Genetics (formerly Invitae), Labcorp
Classification: Uncertain significance for Pontocerebellar hypoplasia type 9; Hereditary spastic paraplegia 63. Last evaluated: 2022-05-04. Review status: criteria provided, single submitter. Criteria: Invitae Variant Classification Sherloc (09022015). Collection method: clinical testing. Allele origin: germline.
Comment: In summary, the available evidence is currently insufficient to determine the role of this variant in disease. Therefore, it has been classified as a Variant of Uncertain Significance. Algorithms developed to predict the effect of missense changes on protein structure and function output the following: SIFT: "Tolerated"; PolyPhen-2: "Benign"; Align-GVGD: "Class C0". The histidine amino acid residue is found in multiple mammalian species, which suggests that this missense change does not adversely affect protein function. This variant has not been reported in the literature in individuals affected with AMPD2-related conditions. This variant is not present in population databases (gnomAD no frequency). This sequence change replaces arginine, which is basic and polar, with histidine, which is basic and polar, at codon 335 of the AMPD2 protein (p.Arg335His).